The following is an entry in ClinVar:

ClinVar aggregate classification (germline): Likely benign. Review status: criteria provided, multiple submitters, no conflicts (2 of 4 stars). 2 submissions from 2 submitters: Likely benign (2). Last evaluated 2026-01-05.

Conditions:
CLCN2-related disorder. Also called: CLCN2-related condition; CLCN2-related disorders.

Allele frequency attached by ClinVar (database versions not stated): ExAC 0.00002; gnomAD 0.00004; gnomAD exomes 0.00005; TOPMed 0.00005; ESP Exome Variant Server 0.00008.
gnomAD v4.1: 71 of 1,613,488 alleles (0.0044%); highest among the groups gnomAD compares: East Asian, 0.0089%; no homozygotes.

Submissions (2):

Labcorp Genetics (formerly Invitae), Labcorp
Classification: Likely benign. Last evaluated: 2026-01-05. Review status: criteria provided, single submitter. Criteria: Invitae Variant Classification Sherloc (09022015). Collection method: clinical testing. Allele origin: germline.

PreventionGenetics, part of Exact Sciences
Classification: Likely benign for CLCN2-related condition. Last evaluated: 2025-02-05. Review status: criteria provided, single submitter. Criteria: ACMG Guidelines, 2015. Collection method: clinical testing. Allele origin: germline.
Comment: This variant is classified as likely benign based on ACMG/AMP sequence variant interpretation guidelines (Richards et al. 2015 PMID: 25741868, with internal and published modifications).

NM_004366.6(CLCN2):c.1953G>A (p.Glu651=)

Gene: CLCN2 (chloride voltage-gated channel 2; minus strand). Cytogenetic location: 3q27.1.
Variant type: single nucleotide variant.
Coding change: c.1953G>A on transcript NM_004366.6 (MANE Select); coding-DNA position 1953, G replaced by A.
Protein change: p.Glu651=; no amino-acid change (glutamic acid 651 retained).
Molecular consequence: synonymous variant.
Genome position (GRCh38, 1-based): chr3:184,353,325, C>T on the plus strand (G>A on the coding strand, the complement: CLCN2 is on the minus strand). VCF-style: chr3-184353325-C-T. GRCh37 (hg19) VCF-style: chr3-184071113-C-T.
Other names: c.1902G>A, p.Glu634= (NM_001171087.3); c.1821G>A, p.Glu607= (NM_001171088.3); c.1953G>A, p.Glu651= (NM_001171089.3); c.1953G>A (NM_004366.5).
Identifiers: ClinVar variation 2053684 (VCV002053684.5), dbSNP rs368874568, ClinGen allele CA2733930.